The following is an entry in ClinVar:

ClinVar aggregate classification (germline): Benign (0 of 4 stars; one submission).

Conditions:
MEG3-related disorder. Also called: MEG3-related condition.

Allele frequency attached by ClinVar (database versions not stated): 1000 Genomes Project 0.00579; 1000 Genomes Project 30x 0.00656; gnomAD 0.01278; TOPMed 0.01278; gnomAD exomes 0.01474.
gnomAD v4.1: 2,825 of 210,630 alleles (1.3%); highest among the groups gnomAD compares: Non-Finnish European, 2.1%; 35 homozygotes.

Submission:

PreventionGenetics, part of Exact Sciences
Classification: Benign for MEG3-related condition. Last evaluated: 2019-12-05. Review status: no assertion criteria provided. Collection method: clinical testing. Allele origin: germline.
Comment: This variant is classified as benign based on ACMG/AMP sequence variant interpretation guidelines (Richards et al. 2015 PMID: 25741868, with internal and published modifications).

NR_046473.1(MEG3):n.7371T>G

Gene: MEG3 (maternally expressed 3; plus strand). Cytogenetic location: 14q32.2.
Variant type: single nucleotide variant.
Molecular consequence: non-coding transcript variant (on NR_046473.1).
Genome position: GRCh38 VCF-style: chr14-100851987-T-G. GRCh37 (hg19) VCF-style: chr14-101318324-T-G.
Identifiers: ClinVar variation 3041445 (VCV003041445.2), dbSNP rs149936213, ClinGen allele CA266871137.